The following is an entry in ClinVar:

ClinVar aggregate classification (germline): Uncertain significance. Review status: criteria provided, multiple submitters, no conflicts (2 of 4 stars). 2 submissions from 2 submitters: Uncertain significance (2). Last evaluated 2025-08-26.

Conditions:
Absence seizure. Also called: Absence epilepsy. Identifiers: Orphanet 1941, MedGen C0014553.
Myoclonic epilepsy, juvenile, susceptibility to, 1. Also called: Myoclonic Epilepsy, Juvenile, 1; EJM1. Identifiers: MedGen C1850778, MONDO:0020752, OMIM 254770.

Allele frequency attached by ClinVar (database versions not stated): gnomAD exomes 0.00001 and 0.00002; ExAC 0.00002; gnomAD 0.00002.
gnomAD v4.1: 30 of 1,613,886 alleles (0.0019%); highest among the groups gnomAD compares: Non-Finnish European, 0.0025%; no homozygotes.

Submissions (2):

Ambry Genetics
Classification: Uncertain significance. Last evaluated: 2025-08-26. Review status: criteria provided, single submitter. Criteria: Ambry Variant Classification Scheme 2023. Collection method: clinical testing. Allele origin: germline.

Labcorp Genetics (formerly Invitae), Labcorp
Classification: Uncertain significance for Myoclonic epilepsy, juvenile, susceptibility to, 1; Absence seizure. Last evaluated: 2020-11-11. Review status: criteria provided, single submitter. Criteria: Invitae Variant Classification Sherloc (09022015). Collection method: clinical testing. Allele origin: germline.
Comment: This variant is present in population databases (rs777659552, ExAC 0.004%). In summary, the available evidence is currently insufficient to determine the role of this variant in disease. Therefore, it has been classified as a Variant of Uncertain Significance. Algorithms developed to predict the effect of sequence changes on RNA splicing suggest that this variant may create or strengthen a splice site, but this prediction has not been confirmed by published transcriptional studies. Algorithms developed to predict the effect of missense changes on protein structure and function (SIFT, PolyPhen-2, Align-GVGD) all suggest that this variant is likely to be disruptive, but these predictions have not been confirmed by published functional studies and their clinical significance is uncertain. This variant has not been reported in the literature in individuals with EFHC1-related conditions. This sequence change replaces tyrosine with cysteine at codon 384 of the EFHC1 protein (p.Tyr384Cys). The tyrosine residue is highly conserved and there is a large physicochemical difference between tyrosine and cysteine.

NM_018100.4(EFHC1):c.1151A>G (p.Tyr384Cys)

Gene: EFHC1 (EF-hand domain containing 1; plus strand). Cytogenetic location: 6p12.2.
Variant type: single nucleotide variant.
Coding change: c.1151A>G on transcript NM_018100.4 (MANE Select); coding-DNA position 1151, A replaced by G.
Protein change: p.Tyr384Cys; replaces tyrosine 384 with cysteine.
Molecular consequence: missense variant. On other transcripts: non-coding transcript variant (1).
Genome position (GRCh38, 1-based): chr6:52,469,346, A>G. VCF-style: chr6-52469346-A-G. GRCh37 (hg19) VCF-style: chr6-52334144-A-G.
Other names: c.1094A>G, p.Tyr365Cys (NM_001172420.2); short protein forms Y365C, Y384C.
Identifiers: ClinVar variation 863918 (VCV000863918.13), dbSNP rs777659552, ClinGen allele CA3856003.